The following is an entry in ClinVar:

ClinVar aggregate classification (germline): Uncertain significance. Review status: criteria provided, multiple submitters, no conflicts (2 of 4 stars). 2 submissions from 2 submitters: Uncertain significance (2). Last evaluated 2024-02-07.

Conditions:
Familial hypocalciuric hypercalcemia 1. Also called: Hypercalcemia, familial benign type 1. Identifiers: Orphanet 405, Orphanet 93372, MedGen C0342637, MONDO:0007791, OMIM 145980.
Epilepsy, idiopathic generalized, susceptibility to, 8. Identifiers: MedGen C2752062, MONDO:0013032, OMIM 612899.
Neonatal severe primary hyperparathyroidism. Identifiers: Orphanet 417, MedGen C1832615, MONDO:0009397, OMIM 239200.
Autosomal dominant hypocalcemia 1 (HYPOC1). Also called: HYPOCALCEMIA, FAMILIAL. Identifiers: MedGen C3715128, MONDO:0011013, OMIM 601198.
Familial hypocalciuric hypercalcemia (FHH). Also called: Familial benign hypercalcemia. Identifiers: Orphanet 405, MedGen C1809471, MONDO:0018458.

Allele frequency attached by ClinVar (database versions not stated): gnomAD exomes below 0.00001; ExAC 0.00001; gnomAD 0.00001; 1000 Genomes Project 30x 0.00016; 1000 Genomes Project 0.00020.
gnomAD v4.1: 5 of 1,614,116 alleles (0.00031%); highest among the groups gnomAD compares: African/African-American, 0.0013%; no homozygotes.

Submissions (2):

Fulgent Genetics
Classification: Uncertain significance for Familial hypocalciuric hypercalcemia 1; Neonatal severe primary hyperparathyroidism; Autosomal dominant hypocalcemia 1; Epilepsy, idiopathic generalized, susceptibility to, 8. Last evaluated: 2024-02-07. Review status: criteria provided, single submitter. Criteria: ACMG Guidelines, 2015. Collection method: clinical testing. Allele origin: germline.

Labcorp Genetics (formerly Invitae), Labcorp
Classification: Uncertain significance for Familial hypocalciuric hypercalcemia; Autosomal dominant hypocalcemia 1. Last evaluated: 2021-06-16. Review status: criteria provided, single submitter. Criteria: Invitae Variant Classification Sherloc (09022015). Collection method: clinical testing. Allele origin: germline.
Comment: In summary, the available evidence is currently insufficient to determine the role of this variant in disease. Therefore, it has been classified as a Variant of Uncertain Significance. Algorithms developed to predict the effect of missense changes on protein structure and function (SIFT, PolyPhen-2, Align-GVGD) all suggest that this variant is likely to be tolerated, but these predictions have not been confirmed by published functional studies and their clinical significance is uncertain. This variant has been observed in individual(s) with hypercalcemia (PMID: 31433865). This variant is present in population databases (rs200910001, ExAC 0.01%). This sequence change replaces isoleucine with valine at codon 503 of the CASR protein (p.Ile503Val). The isoleucine residue is highly conserved and there is a small physicochemical difference between isoleucine and valine.

Literature cited by the submitters: PubMed 31433865 (cited by Labcorp Genetics (formerly Invitae), Labcorp).

NM_000388.4(CASR):c.1507A>G (p.Ile503Val)

Gene: CASR (calcium sensing receptor; plus strand). Cytogenetic location: 3q21.1.
Variant type: single nucleotide variant.
Coding change: c.1507A>G on transcript NM_000388.4 (MANE Select); coding-DNA position 1507, A replaced by G.
Protein change: p.Ile503Val; replaces isoleucine 503 with valine.
Molecular consequence: missense variant.
Genome position (GRCh38, 1-based): chr3:122,275,941, A>G. VCF-style: chr3-122275941-A-G. GRCh37 (hg19) VCF-style: chr3-121994788-A-G.
Other names: c.1507A>G, p.Ile503Val (NM_001178065.2); short protein forms I503V.
Identifiers: ClinVar variation 1021636 (VCV001021636.10), dbSNP rs200910001, ClinGen allele CA2569668.